The following is an entry in ClinVar:

ClinVar aggregate classification (germline): Uncertain significance. Review status: criteria provided, multiple submitters, no conflicts (2 of 4 stars). 2 submissions from 2 submitters: Uncertain significance (2). Last evaluated 2025-12-26.

gnomAD v4.1: 38 of 1,614,072 alleles (0.0024%); highest among the groups gnomAD compares: Admixed American, 0.022%; no homozygotes.

Submissions (2):

Labcorp Genetics (formerly Invitae), Labcorp
Classification: Uncertain significance. Last evaluated: 2025-12-26. Review status: criteria provided, single submitter. Criteria: Invitae Variant Classification Sherloc (09022015). Collection method: clinical testing. Allele origin: germline.
Comment: This sequence change replaces threonine, which is neutral and polar, with methionine, which is neutral and non-polar, at codon 277 of the ADGRE2 protein (p.Thr277Met). This variant is present in population databases (rs757107458, gnomAD 0.02%). This variant has not been reported in the literature in individuals affected with ADGRE2-related conditions. ClinVar contains an entry for this variant (Variation ID: 2170901). An algorithm developed to predict the effect of missense changes on protein structure and function (PolyPhen-2) suggests that this variant is likely to be tolerated. In summary, the available evidence is currently insufficient to determine the role of this variant in disease. Therefore, it has been classified as a Variant of Uncertain Significance.

Ambry Genetics
Classification: Uncertain significance. Last evaluated: 2025-11-11. Review status: criteria provided, single submitter. Criteria: Ambry Variant Classification Scheme 2023. Collection method: clinical testing. Allele origin: germline.

NM_013447.4(ADGRE2):c.830C>T (p.Thr277Met)

Gene: ADGRE2 (adhesion G protein-coupled receptor E2; minus strand). Cytogenetic location: 19p13.12.
Variant type: single nucleotide variant.
Coding change: c.830C>T on transcript NM_013447.4 (MANE Select); coding-DNA position 830, C replaced by T.
Protein change: p.Thr277Met; replaces threonine 277 with methionine.
Molecular consequence: missense variant.
Genome position (GRCh38, 1-based): chr19:14,765,396, G>A on the plus strand (C>T on the coding strand, the complement: ADGRE2 is on the minus strand). VCF-style: chr19-14765396-G-A. GRCh37 (hg19) VCF-style: chr19-14876208-G-A.
Other names: c.830C>T, p.Thr277Met (NM_001271052.1); c.683C>T, p.Thr228Met (NM_152916.2); c.551C>T, p.Thr184Met (NM_152917.2); c.830C>T (NM_013447.2); short protein forms T184M, T228M, T277M.
Identifiers: ClinVar variation 2170901 (VCV002170901.5), dbSNP rs757107458, ClinGen allele CA9257879.